The following is an entry in ClinVar:

ClinVar aggregate classification (germline): Likely benign. Review status: criteria provided, multiple submitters, no conflicts (2 of 4 stars). 3 submissions from 3 submitters: Likely benign (3). Last evaluated 2026-06-01.

Conditions:
Early-infantile DEE. Also called: Early infantile epileptic encephalopathy; Ohtahara syndrome; Early infantile epileptic encephalopathy with suppression bursts. Identifiers: Orphanet 1934, MedGen C0393706, MONDO:0800491.
Inborn genetic diseases. Identifiers: MedGen C0950123, MeSH D030342.

Allele frequency attached by ClinVar (database versions not stated): TOPMed 0.00002; gnomAD exomes 0.00004; ExAC 0.00006.
gnomAD v4.1: 12 of 1,602,334 alleles (0.00075%); highest among the groups gnomAD compares: East Asian, 0.013%; no homozygotes.

Submissions (3):

CeGaT Center for Human Genetics Tuebingen
Classification: Likely benign. Last evaluated: 2026-06-01. Review status: criteria provided, single submitter. Criteria: CeGaT Center For Human Genetics Tuebingen Variant Classification Criteria Version 2. Collection method: clinical testing. Allele origin: germline. Affected: yes. Observed: 1 variant allele.
Comment: KCNQ2: BP4, BP7

Labcorp Genetics (formerly Invitae), Labcorp
Classification: Likely benign for Early-infantile DEE. Last evaluated: 2024-08-14. Review status: criteria provided, single submitter. Criteria: Invitae Variant Classification Sherloc (09022015). Collection method: clinical testing. Allele origin: germline.

Ambry Genetics
Classification: Likely benign for Inborn genetic diseases. Last evaluated: 2017-05-26. Review status: criteria provided, single submitter. Criteria: Ambry Variant Classification Scheme 2023. Collection method: clinical testing. Allele origin: germline.

NM_172107.4(KCNQ2):c.627C>A (p.Ile209=)

Gene: KCNQ2 (potassium voltage-gated channel subfamily Q member 2; minus strand). Cytogenetic location: 20q13.33.
Variant type: single nucleotide variant.
Coding change: c.627C>A on transcript NM_172107.4 (MANE Select); coding-DNA position 627, C replaced by A.
Protein change: p.Ile209=; no amino-acid change (isoleucine 209 retained).
Molecular consequence: synonymous variant.
Genome position (GRCh38, 1-based): chr20:63,444,722, G>T on the plus strand (C>A on the coding strand, the complement: KCNQ2 is on the minus strand). VCF-style: chr20-63444722-G-T. GRCh37 (hg19) VCF-style: chr20-62076075-G-T.
Other names: c.627C>A, p.Ile209= (NM_004518.6, NM_172106.3, NM_172108.5 and 1 more transcripts).
Identifiers: ClinVar variation 590158 (VCV000590158.16), dbSNP rs749602639, ClinGen allele CA9958772.